The following is an entry in ClinVar:

ClinVar aggregate classification (germline): Uncertain significance (1 of 4 stars; one submission).

Submission:

Labcorp Genetics (formerly Invitae), Labcorp
Classification: Uncertain significance. Last evaluated: 2022-09-19. Review status: criteria provided, single submitter. Criteria: Invitae Variant Classification Sherloc (09022015). Collection method: clinical testing. Allele origin: germline.
Comment: This variant is not present in population databases (gnomAD no frequency). This variant has not been reported in the literature in individuals affected with CYP7A1-related conditions. Advanced modeling of protein sequence and biophysical properties (such as structural, functional, and spatial information, amino acid conservation, physicochemical variation, residue mobility, and thermodynamic stability) has been performed at Invitae for this missense variant, however the output from this modeling did not meet the statistical confidence thresholds required to predict the impact of this variant on CYP7A1 protein function. In summary, the available evidence is currently insufficient to determine the role of this variant in disease. Therefore, it has been classified as a Variant of Uncertain Significance. This sequence change replaces glutamic acid, which is acidic and polar, with valine, which is neutral and non-polar, at codon 123 of the CYP7A1 protein (p.Glu123Val).

NM_000780.4(CYP7A1):c.368A>T (p.Glu123Val)

Gene: CYP7A1 (cytochrome P450 family 7 subfamily A member 1; minus strand). Cytogenetic location: 8q12.1.
Variant type: single nucleotide variant.
Coding change: c.368A>T on transcript NM_000780.4 (MANE Select); coding-DNA position 368, A replaced by T.
Protein change: p.Glu123Val; replaces glutamic acid 123 with valine.
Molecular consequence: missense variant.
Genome position (GRCh38, 1-based): chr8:58,497,144, T>A on the plus strand (A>T on the coding strand, the complement: CYP7A1 is on the minus strand). VCF-style: chr8-58497144-T-A. GRCh37 (hg19) VCF-style: chr8-59409703-T-A.
Other names: short protein forms E123V.
Identifiers: ClinVar variation 2117825 (VCV002117825.4), dbSNP rs2487040279, ClinGen allele CA371294835.